The following is an entry in ClinVar:

ClinVar aggregate classification (germline): Uncertain significance (1 of 4 stars; one submission).

Submission:

Labcorp Genetics (formerly Invitae), Labcorp
Classification: Uncertain significance. Last evaluated: 2024-02-17. Review status: criteria provided, single submitter. Criteria: Invitae Variant Classification Sherloc (09022015). Collection method: clinical testing. Allele origin: germline.
Comment: This sequence change replaces cysteine, which is neutral and slightly polar, with arginine, which is basic and polar, at codon 300 of the ALPK3 protein (p.Cys300Arg). This variant is not present in population databases (gnomAD no frequency). This variant has not been reported in the literature in individuals affected with ALPK3-related conditions. ClinVar contains an entry for this variant (Variation ID: 1416647). An algorithm developed to predict the effect of missense changes on protein structure and function (PolyPhen-2) suggests that this variant is likely to be disruptive. In summary, the available evidence is currently insufficient to determine the role of this variant in disease. Therefore, it has been classified as a Variant of Uncertain Significance.

NM_020778.5(ALPK3):c.292T>C (p.Cys98Arg)

Gene: ALPK3 (alpha kinase 3; plus strand). Cytogenetic location: 15q25.3.
Variant type: single nucleotide variant.
Coding change: c.292T>C on transcript NM_020778.5 (MANE Select); coding-DNA position 292, T replaced by C.
Protein change: p.Cys98Arg; replaces cysteine 98 with arginine.
Molecular consequence: missense variant.
Genome position (GRCh38, 1-based): chr15:84,827,593, T>C. VCF-style: chr15-84827593-T-C. GRCh37 (hg19) VCF-style: chr15-85370824-T-C.
Other names: short protein forms C98R.
Identifiers: ClinVar variation 1416647 (VCV001416647.6), dbSNP rs1963503521, ClinGen allele CA393371164.
Genomic context (GRCh38, chr15:84,827,593, plus strand): 5'-CTATTTGAGACCACGCTCAAGTCCCGGTCTGTGTCCGAGGACAGCGACGTCAGGTTCACC[T>C]GCATCGTCACAGGTAAGGATGCTGTCTGTATGCTCCATGCCAGGGCCTCTGCACAGAGCA-3'
Protein context (NP_065829.4, residues 88-108): VSEDSDVRFT[Cys98Arg]IVTGYPEPEV